The following is an entry in ClinVar:

NM_001365276.2(TNXB):c.4896C>G (p.Ile1632Met)

Gene: TNXB (tenascin XB; minus strand). Cytogenetic location: 6p21.33.
Variant type: single nucleotide variant.
Coding change: c.4896C>G on transcript NM_001365276.2 (MANE Select); coding-DNA position 4896, C replaced by G.
Protein change: p.Ile1632Met; replaces isoleucine 1632 with methionine.
Molecular consequence: missense variant.
Genome position (GRCh38, 1-based): chr6:32,072,084, G>C on the plus strand (C>G on the coding strand, the complement: TNXB is on the minus strand). VCF-style: chr6-32072084-G-C. GRCh37 (hg19) VCF-style: chr6-32039861-G-C.
Other names: c.5637C>G, p.Ile1879Met (NM_001428335.1); c.4896C>G, p.Ile1632Met (NM_019105.8); short protein forms I1632M, I1879M.
Identifiers: ClinVar variation 3227283 (VCV003227283.1), dbSNP rs2483603372, ClinGen allele CA363419666.

ClinVar aggregate classification (germline): Uncertain significance (1 of 4 stars; one submission).

Conditions:
Cardiovascular phenotype. Identifiers: MedGen CN230736.

Allele frequency attached by ClinVar (database versions not stated): gnomAD exomes below 0.00001.
gnomAD v4.1: 1 of 1,613,082 alleles (0.000062%); highest among the groups gnomAD compares: Non-Finnish European, 0.000085%; no homozygotes.

Submission:

Ambry Genetics
Classification: Uncertain significance for Cardiovascular phenotype. Last evaluated: 2024-02-25. Review status: criteria provided, single submitter. Criteria: Ambry Variant Classification Scheme 2023. Collection method: clinical testing. Allele origin: germline.
Comment: The p.I1632M variant (also known as c.4896C>G), located in coding exon 12 of the TNXB gene, results from a C to G substitution at nucleotide position 4896. The isoleucine at codon 1632 is replaced by methionine, an amino acid with highly similar properties. This amino acid position is conserved. In addition, this alteration is predicted to be tolerated by in silico analysis. Based on the available evidence, the clinical significance of this alteration remains unclear.